The following is an entry in ClinVar:

NM_015214.3(DDHD2):c.1587G>A (p.Thr529=)

Gene: DDHD2 (DDHD domain containing 2; plus strand). Cytogenetic location: 8p11.23.
Variant type: single nucleotide variant.
Coding change: c.1587G>A on transcript NM_015214.3 (MANE Select); coding-DNA position 1587, G replaced by A.
Protein change: p.Thr529=; no amino-acid change (threonine 529 retained).
Molecular consequence: synonymous variant. On other transcripts: non-coding transcript variant (2).
Genome position (GRCh38, 1-based): chr8:38,252,257, G>A. VCF-style: chr8-38252257-G-A. GRCh37 (hg19) VCF-style: chr8-38109775-G-A.
Other names: c.1587G>A, p.Thr529= (NM_001164232.2, NM_001362911.2, NM_001362912.2 and 1 more transcripts); c.1497G>A, p.Thr499= (NM_001362913.2).
Identifiers: ClinVar variation 434907 (VCV000434907.41), dbSNP rs141814412, ClinGen allele CA4716302.

ClinVar aggregate classification (germline): Benign/Likely benign. Review status: criteria provided, multiple submitters, no conflicts (2 of 4 stars). 4 submissions from 4 submitters: Benign (1); Likely benign (3). Last evaluated 2026-01-15.

Conditions:
Hereditary spastic paraplegia 54. Also called: Spastic paraplegia 54, autosomal recessive. Identifiers: Orphanet 320380, MedGen C3539495, MONDO:0014018, OMIM 615033.

Allele frequency attached by ClinVar (database versions not stated): gnomAD 0.00006; TOPMed 0.00022; 1000 Genomes Project 0.00100; 1000 Genomes Project 30x 0.00125.
gnomAD v4.1: 170 of 1,613,790 alleles (0.011%); highest among the groups gnomAD compares: East Asian, 0.35%; 1 homozygote.

Submissions (4):

Labcorp Genetics (formerly Invitae), Labcorp
Classification: Benign for Hereditary spastic paraplegia 54. Last evaluated: 2026-01-15. Review status: criteria provided, single submitter. Criteria: Invitae Variant Classification Sherloc (09022015). Collection method: clinical testing. Allele origin: germline.

CeGaT Center for Human Genetics Tuebingen
Classification: Likely benign. Last evaluated: 2023-10-01. Review status: criteria provided, single submitter. Criteria: CeGaT Center For Human Genetics Tuebingen Variant Classification Criteria Version 2. Collection method: clinical testing. Allele origin: germline. Affected: yes. Observed: 1 variant allele.
Comment: DDHD2: BP4, BP7

GeneDx
Classification: Likely benign. Last evaluated: 2018-04-03. Review status: criteria provided, single submitter. Criteria: GeneDx Variant Classification (06012015). Collection method: clinical testing. Allele origin: germline. Affected: yes.
Comment: This variant is considered likely benign or benign based on one or more of the following criteria: it is a conservative change, it occurs at a poorly conserved position in the protein, it is predicted to be benign by multiple in silico algorithms, and/or has population frequency not consistent with disease.

Genetic Services Laboratory, University of Chicago
Classification: Likely benign. Last evaluated: 2016-11-08. Review status: criteria provided, single submitter. Criteria: ACMG Guidelines, 2015. Collection method: clinical testing. Allele origin: germline. Affected: no.